The following is an entry in ClinVar:

ClinVar aggregate classification (germline): Likely benign. Review status: criteria provided, multiple submitters, no conflicts (2 of 4 stars). 3 submissions from 3 submitters: Likely benign (2). 1 of the submissions does not count toward it. Last evaluated 2026-02-01.

Conditions:
PHKG2-related disorder. Also called: PHKG2-related condition.
Glycogen storage disease IXc (GSD9C). Also called: GSD IXc. Identifiers: Orphanet 264580, MedGen C2751643, MONDO:0013091, OMIM 613027.

Allele frequency attached by ClinVar (database versions not stated): gnomAD 0.00002 and 0.00006; gnomAD exomes 0.00011 and 0.00010; TOPMed 0.00005; ExAC 0.00012; ESP Exome Variant Server 0.00015.
gnomAD v4.1: 169 of 1,613,894 alleles (0.01%); highest among the groups gnomAD compares: South Asian, 0.058%; no homozygotes.

Submissions (3):

Labcorp Genetics (formerly Invitae), Labcorp
Classification: Likely benign for Glycogen storage disease IXc. Last evaluated: 2026-02-01. Review status: criteria provided, single submitter. Criteria: Invitae Variant Classification Sherloc (09022015). Collection method: clinical testing. Allele origin: germline.

Blueprint Genetics
Classification: Likely benign. Last evaluated: 2023-10-20. Review status: criteria provided, single submitter. Criteria: ACMG Guidelines, 2015. Collection method: clinical testing. Allele origin: germline.

PreventionGenetics, part of Exact Sciences
Classification: Likely benign for PHKG2-related condition. Last evaluated: 2023-04-11. Review status: no assertion criteria provided. Collection method: clinical testing. Allele origin: germline. Not counted in ClinVar's aggregate classification.
Comment: This variant is classified as likely benign based on ACMG/AMP sequence variant interpretation guidelines (Richards et al. 2015 PMID: 25741868, with internal and published modifications).

NM_000294.3(PHKG2):c.153G>A (p.Ala51=)

Gene: PHKG2 (phosphorylase kinase catalytic subunit gamma 2; plus strand). Cytogenetic location: 16p11.2.
Variant type: single nucleotide variant.
Coding change: c.153G>A on transcript NM_000294.3 (MANE Select); coding-DNA position 153, G replaced by A.
Protein change: p.Ala51=; no amino-acid change (alanine 51 retained).
Molecular consequence: synonymous variant.
Genome position (GRCh38, 1-based): chr16:30,751,163, G>A. VCF-style: chr16-30751163-G-A. GRCh37 (hg19) VCF-style: chr16-30762484-G-A.
Other names: c.153G>A, p.Ala51= (NM_001172432.2); c.153G>A (NM_000294.2).
Identifiers: ClinVar variation 1537649 (VCV001537649.11), dbSNP rs368095671, ClinGen allele CA8013047.